The following is an entry in ClinVar:

NM_001940.4(ATN1):c.3358+2T>A

Gene: ATN1 (atrophin 1; plus strand). Cytogenetic location: 12p13.31.
Variant type: single nucleotide variant.
Coding change: c.3358+2T>A on transcript NM_001940.4 (MANE Select); the canonical splice donor site of the intron after coding-DNA position 3358, T replaced by A.
Molecular consequence: splice donor variant.
Genome position (GRCh38, 1-based): chr12:6,941,025, T>A. VCF-style: chr12-6941025-T-A. GRCh37 (hg19) VCF-style: chr12-7050188-T-A.
Other names: c.3358+2T>A (NM_001424176.1, NM_001007026.2, NM_001424177.1 and 1 more transcripts); c.3355+2T>A (NM_001424179.1, NM_001424180.1).
Identifiers: ClinVar variation 4884852 (VCV004884852.1).
Genomic context (GRCh38, chr12:6,941,025, plus strand): 5'-TAACCCCCTGCTTCCTCACCCTCTGCACGAGAACGAAGTTCTTCGTCACCAGCTCTTTGG[T>A]AAGGATGGAAGTTGGGGTAGGCAGCTCCAATGAGAAAAGGGCAGAAAGGAGGTATTTGGG-3'

ClinVar aggregate classification (germline): Likely pathogenic (0 of 4 stars; one submission).

Conditions:
Congenital hypotonia, epilepsy, developmental delay, and digital anomalies (CHEDDA). Also called: ATN1-Related Neurodevelopmental Disorder. Identifiers: MedGen C5193125, MONDO:0032781, OMIM 618494.

Submission:

Hong-Tao Li Lab, Institute of Brain Science and Brain-inspired Research, Shandong First Medical University & Shandong Academy of Medical Sciences China
Classification: Likely pathogenic for Congenital hypotonia, epilepsy, developmental delay, and digital anomalies. Review status: no assertion criteria provided. Collection method: research. Allele origin: germline. Inheritance: Autosomal dominant inheritance. Affected: yes. Observed: 1 variant allele, 1 heterozygote.
Comment: Observed in affected individuals from a Pakistani neurodevelopmental-disorder research cohort of 263 individuals. Classification assigned using the ACMG/AMP framework.